The following is an entry in ClinVar:

NM_000059.4(BRCA2):c.7977-7C>G

Gene: BRCA2 (BRCA2 DNA repair associated; plus strand). Cytogenetic location: 13q13.1.
Variant type: single nucleotide variant.
Coding change: c.7977-7C>G on transcript NM_000059.4 (MANE Select); 7 bases into the intron before coding-DNA position 7977, C replaced by G.
Molecular consequence: intron variant.
Genome position (GRCh38, 1-based): chr13:32,363,172, C>G. VCF-style: chr13-32363172-C-G. GRCh37 (hg19) VCF-style: chr13-32937309-C-G.
Identifiers: ClinVar variation 4215214 (VCV004215214.2), dbSNP rs397507948.

ClinVar aggregate classification (germline): Uncertain significance (1 of 4 stars; one submission).

Conditions:
Hereditary cancer-predisposing syndrome. Also called: Neoplastic Syndromes, Hereditary; Tumor predisposition; Hereditary Cancer Syndrome; Hereditary neoplastic syndrome. Identifiers: Orphanet 140162, MedGen C0027672, MeSH D009386, MONDO:0015356.

Submission:

Ambry Genetics
Classification: Uncertain significance for Hereditary cancer-predisposing syndrome. Last evaluated: 2026-01-22. Review status: criteria provided, single submitter. Criteria: Ambry Variant Classification Scheme 2023. Collection method: clinical testing. Allele origin: germline.
Comment: The c.7977-7C>G intronic variant results from a C to G substitution 7 nucleotides upstream from coding exon 17 in the BRCA2 gene. The results from two saturation genome editing-based studies, including a haploid cell-survival assay and a humanized mouse embryonic stem cell line assay of drug response and survival, are discordant for this nucleotide substitution (Huang H et al. Nature. 2025 Feb;638(8050):528-537; Sahu S et al. Nature. 2025 Feb;638(8050):538-545). This nucleotide position is not well conserved in available vertebrate species. In silico splice site analysis predicts that this alteration will weaken the native splice acceptor site and will result in the creation or strengthening of a novel splice acceptor site. RNA studies have demonstrated this variant to result in the in-frame insertion of two amino acids; the clinical impact of this abnormal splicing is unknown at this time (Ambry internal data; Fraile-Bethencourt E et al. PLoS Genet, 2017 Mar;13:e1006691; Houdayer C. et al. Hum Mutat 2012 Aug;33(8):1228-38; Th&eacute;ry JC et al. Eur J Hum Genet 2011 Oct;19(10):1052-8). Based on the available evidence, the clinical significance of this variant remains unclear.

Literature cited by the submitters: PubMed 28339459.